The following is an entry in ClinVar:

NM_000539.3(RHO):c.229C>T (p.Leu77Phe)

Gene: RHO (rhodopsin; plus strand). Cytogenetic location: 3q22.1.
Variant type: single nucleotide variant.
Coding change: c.229C>T on transcript NM_000539.3 (MANE Select); coding-DNA position 229, C replaced by T.
Protein change: p.Leu77Phe; replaces leucine 77 with phenylalanine.
Molecular consequence: missense variant.
Genome position (GRCh38, 1-based): chr3:129,528,962, C>T. VCF-style: chr3-129528962-C-T. GRCh37 (hg19) VCF-style: chr3-129247805-C-T.
Other names: short protein forms L77F.
Identifiers: ClinVar variation 935773 (VCV000935773.2), dbSNP rs1405507439, ClinGen allele CA354496411.

ClinVar aggregate classification (germline): Uncertain significance. Review status: criteria provided, multiple submitters, no conflicts (2 of 4 stars). 2 submissions from 2 submitters: Uncertain significance (2). Last evaluated 2019-09-03.

Allele frequency attached by ClinVar (database versions not stated): gnomAD exomes below 0.00001; TOPMed below 0.00001; gnomAD 0.00001.
gnomAD v4.1: 4 of 1,614,128 alleles (0.00025%); highest among the groups gnomAD compares: Middle Eastern, 0.016%; no homozygotes.

Submissions (2):

Labcorp Genetics (formerly Invitae), Labcorp
Classification: Uncertain significance. Last evaluated: 2019-09-03. Review status: criteria provided, single submitter. Criteria: Invitae Variant Classification Sherloc (09022015). Collection method: clinical testing. Allele origin: germline.
Comment: This sequence change replaces leucine with phenylalanine at codon 77 of the RHO protein (p.Leu77Phe). The leucine residue is highly conserved and there is a small physicochemical difference between leucine and phenylalanine. This variant is not present in population databases (ExAC no frequency). This variant has not been reported in the literature in individuals with RHO-related conditions. Algorithms developed to predict the effect of missense changes on protein structure and function are either unavailable or do not agree on the potential impact of this missense change (SIFT: "Deleterious"; PolyPhen-2: "Probably Damaging"; Align-GVGD: "Class C0"). In summary, the available evidence is currently insufficient to determine the role of this variant in disease. Therefore, it has been classified as a Variant of Uncertain Significance.

Breakthrough Genomics
Classification: Uncertain significance. Review status: criteria provided, single submitter. Criteria: ACMG Guidelines, 2015. Collection method: not provided. Allele origin: germline. Inheritance: Autosomal recessive inheritance. Affected: yes.